The following is an entry in ClinVar:

ClinVar aggregate classification (germline): Uncertain significance (1 of 4 stars; one submission).

Conditions:
Brugada syndrome. Also called: Sudden unexpected nocturnal death syndrome; Sudden unexplained nocturnal death syndrome; Sudden Unexplained Death Syndrome; Sudden Unexplained Nocturnal Death Syndrome (SUNDS). Identifiers: Orphanet 130, MedGen C1142166, MONDO:0015263.

Submission:

Labcorp Genetics (formerly Invitae), Labcorp
Classification: Uncertain significance for Brugada syndrome. Last evaluated: 2023-04-07. Review status: criteria provided, single submitter. Criteria: Invitae Variant Classification Sherloc (09022015). Collection method: clinical testing. Allele origin: germline.
Comment: In summary, the available evidence is currently insufficient to determine the role of this variant in disease. Therefore, it has been classified as a Variant of Uncertain Significance. An algorithm developed to predict the effect of missense changes on protein structure and function (PolyPhen-2) suggests that this variant is likely to be tolerated. This variant has not been reported in the literature in individuals affected with CACNA2D1-related conditions. This variant is not present in population databases (gnomAD no frequency). This sequence change replaces glycine, which is neutral and non-polar, with aspartic acid, which is acidic and polar, at codon 779 of the CACNA2D1 protein (p.Gly779Asp).

NM_000722.4(CACNA2D1):c.2336G>A (p.Gly779Asp)

Gene: CACNA2D1 (calcium voltage-gated channel auxiliary subunit alpha2delta 1; minus strand). Cytogenetic location: 7q21.11.
Variant type: single nucleotide variant.
Coding change: c.2336G>A on transcript NM_000722.4 (MANE Select); coding-DNA position 2336, G replaced by A.
Protein change: p.Gly779Asp; replaces glycine 779 with aspartic acid.
Molecular consequence: missense variant.
Genome position (GRCh38, 1-based): chr7:81,968,946, C>T on the plus strand (G>A on the coding strand, the complement: CACNA2D1 is on the minus strand). VCF-style: chr7-81968946-C-T. GRCh37 (hg19) VCF-style: chr7-81598262-C-T.
Other names: c.2372G>A, p.Gly791Asp (NM_001366867.1); short protein forms G791D, G779D.
Identifiers: ClinVar variation 2853166 (VCV002853166.3), dbSNP rs1794984725, ClinGen allele CA367890146.